The following is an entry in ClinVar:

NM_003924.4(PHOX2B):c.880G>C (p.Val294Leu)

Gene: PHOX2B (paired like homeobox 2B; minus strand). Cytogenetic location: 4p13.
Variant type: single nucleotide variant.
Coding change: c.880G>C on transcript NM_003924.4 (MANE Select); coding-DNA position 880, G replaced by C.
Protein change: p.Val294Leu; replaces valine 294 with leucine.
Molecular consequence: missense variant.
Genome position (GRCh38, 1-based): chr4:41,745,872, C>G on the plus strand (G>C on the coding strand, the complement: PHOX2B is on the minus strand). VCF-style: chr4-41745872-C-G. GRCh37 (hg19) VCF-style: chr4-41747889-C-G.
Other names: short protein forms V294L.
Identifiers: ClinVar variation 1348263 (VCV001348263.6), dbSNP rs772358257, ClinGen allele CA356736875.
Genomic context (GRCh38, chr4:41,745,872, plus strand): 5'-ACATACTGCTCTTCACTAAGGCGGCTTTGGCACCGTTGGGTCTTTGGAGCGAAGATAGGA[C>G]GCTGGCGAAGGGACCCCCAAGCGAATCCGGGATGGAGGTGATGGGGCCGGGGCCGGGAGC-3'
Protein context (NP_003915.2, residues 284-304): PDSLGGPFAS[Val294Leu]LSSLQRPNGA

ClinVar aggregate classification (germline): Uncertain significance (1 of 4 stars; one submission).

Conditions:
Haddad syndrome (OHD). Also called: Ondine-Hirschsprung disease. Identifiers: Orphanet 99803, MedGen C1859049, MONDO:0020493.

Submission:

Labcorp Genetics (formerly Invitae), Labcorp
Classification: Uncertain significance for Haddad syndrome. Last evaluated: 2024-04-08. Review status: criteria provided, single submitter. Criteria: Invitae Variant Classification Sherloc (09022015). Collection method: clinical testing. Allele origin: germline.
Comment: This sequence change replaces valine, which is neutral and non-polar, with leucine, which is neutral and non-polar, at codon 294 of the PHOX2B protein (p.Val294Leu). This variant is not present in population databases (gnomAD no frequency). This variant has not been reported in the literature in individuals affected with PHOX2B-related conditions. ClinVar contains an entry for this variant (Variation ID: 1348263). Experimental studies and prediction algorithms are not available or were not evaluated, and the functional significance of this variant is currently unknown. In summary, the available evidence is currently insufficient to determine the role of this variant in disease. Therefore, it has been classified as a Variant of Uncertain Significance.